The following is an entry in ClinVar:

NM_002633.3(PGM1):c.1204C>G (p.Leu402Val)

Gene: PGM1 (phosphoglucomutase 1; plus strand). Cytogenetic location: 1p31.3.
Variant type: single nucleotide variant.
Coding change: c.1204C>G on transcript NM_002633.3 (MANE Select); coding-DNA position 1204, C replaced by G.
Protein change: p.Leu402Val; replaces leucine 402 with valine.
Molecular consequence: missense variant.
Genome position (GRCh38, 1-based): chr1:63,648,576, C>G. VCF-style: chr1-63648576-C-G. GRCh37 (hg19) VCF-style: chr1-64114247-C-G.
Other names: c.1258C>G, p.Leu420Val (NM_001172818.1); c.613C>G, p.Leu205Val (NM_001172819.2); short protein forms L205V, L420V, L402V.
Identifiers: ClinVar variation 2070869 (VCV002070869.1), dbSNP rs766113334, ClinGen allele CA889766.

ClinVar aggregate classification (germline): Uncertain significance (1 of 4 stars; one submission).

Conditions:
PGM1-congenital disorder of glycosylation. Also called: Congenital disorder of glycosylation type 1t; PHOSPHOGLUCOMUTASE 1 DEFICIENCY; PGM1 DEFICIENCY; GLYCOGEN STORAGE DISEASE XIV; GSD XIV; CDG It. Identifiers: Orphanet 319646, MedGen C2752015, MONDO:0013968, OMIM 614921.

Allele frequency attached by ClinVar (database versions not stated): gnomAD 0.00001; gnomAD exomes 0.00002; TOPMed 0.00002; ExAC 0.00012.
gnomAD v4.1: 29 of 1,613,958 alleles (0.0018%); highest among the groups gnomAD compares: East Asian, 0.056%; no homozygotes.

Submission:

Labcorp Genetics (formerly Invitae), Labcorp
Classification: Uncertain significance for PGM1-congenital disorder of glycosylation. Last evaluated: 2022-03-28. Review status: criteria provided, single submitter. Criteria: Invitae Variant Classification Sherloc (09022015). Collection method: clinical testing. Allele origin: germline.
Comment: This sequence change replaces leucine, which is neutral and non-polar, with valine, which is neutral and non-polar, at codon 402 of the PGM1 protein (p.Leu402Val). This variant is present in population databases (rs766113334, gnomAD 0.1%). This variant has not been reported in the literature in individuals affected with PGM1-related conditions. Algorithms developed to predict the effect of missense changes on protein structure and function are either unavailable or do not agree on the potential impact of this missense change (SIFT: "Deleterious"; PolyPhen-2: "Benign"; Align-GVGD: "Class C0"). In summary, the available evidence is currently insufficient to determine the role of this variant in disease. Therefore, it has been classified as a Variant of Uncertain Significance.